The following is an entry in ClinVar:

ClinVar aggregate classification (germline): Uncertain significance (1 of 4 stars; one submission).

gnomAD v4.1: 1 of 1,613,232 alleles (0.000062%); highest among the groups gnomAD compares: Non-Finnish European, 0.000085%; no homozygotes.

Submission:

GeneDx
Classification: Uncertain significance. Last evaluated: 2019-04-04. Review status: criteria provided, single submitter. Criteria: GeneDx Variant Classification Process June 2021. Collection method: clinical testing. Allele origin: germline. Affected: yes.
Comment: Has not been previously published as pathogenic or benign to our knowledge; Not observed in large population cohorts (Lek et al., 2016); In silico analysis, which includes protein predictors and evolutionary conservation, supports that this variant does not alter protein structure/function; Missense variant in a gene in which most reported pathogenic variants are truncating/loss-of-function; Located in the A-band of the titin protein, where the majority of pathogenic truncating variants have been reported

NM_001267550.2(TTN):c.61577T>C (p.Ile20526Thr)

Genes: TTN (titin; minus strand), TTN-AS1 (TTN antisense RNA 1; plus strand). Cytogenetic location: 2q31.2.
Variant type: single nucleotide variant.
Coding change: c.61577T>C on transcript NM_001267550.2 (MANE Select); coding-DNA position 61577, T replaced by C.
Protein change: p.Ile20526Thr; replaces isoleucine 20526 with threonine.
Molecular consequence: missense variant.
Genome position (GRCh38, 1-based): chr2:178,590,148, A>G on the plus strand (T>C on the coding strand, the complement: TTN is on the minus strand). VCF-style: chr2-178590148-A-G. GRCh37 (hg19) VCF-style: chr2-179454875-A-G.
Other names: c.56654T>C, p.Ile18885Thr (NM_001256850.1); c.34382T>C, p.Ile11461Thr (NM_003319.4); c.53873T>C, p.Ile17958Thr (NM_133378.4); c.34757T>C, p.Ile11586Thr (NM_133432.3); c.34958T>C, p.Ile11653Thr (NM_133437.4); short protein forms I11461T, I11586T, I11653T, I17958T, I18885T, I20526T.
Identifiers: ClinVar variation 1308611 (VCV001308611.2), dbSNP rs1234706508, ClinGen allele CA349471421.